The following is an entry in ClinVar:

NM_000321.3(RB1):c.1258A>G (p.Lys420Glu)

Gene: RB1 (RB transcriptional corepressor 1; plus strand). Cytogenetic location: 13q14.2.
Variant type: single nucleotide variant.
Coding change: c.1258A>G on transcript NM_000321.3 (MANE Select); coding-DNA position 1258, A replaced by G.
Protein change: p.Lys420Glu; replaces lysine 420 with glutamic acid.
Molecular consequence: missense variant.
Genome position (GRCh38, 1-based): chr13:48,376,960, A>G. VCF-style: chr13-48376960-A-G. GRCh37 (hg19) VCF-style: chr13-48951096-A-G.
Other names: c.1258A>G, p.Lys420Glu (NM_001407165.1, NM_001407166.1); short protein forms K420E.
Identifiers: ClinVar variation 1762274 (VCV001762274.8), dbSNP rs2138136384, ClinGen allele CA388162026.
Genomic context (GRCh38, chr13:48,376,960, plus strand): 5'-TGTTTTTACCTCCTAAAGAACTGCACAGTGAATCCAAAAGAAAGTATACTGAAAAGAGTG[A>G]AGGATATAGGATACATCTTTAAAGAGAAATTTGCTAAAGCTGTGGGACAGGGTTGTGTCG-3'
Protein context (NP_000312.2, residues 410-430): NPKESILKRV[Lys420Glu]DIGYIFKEKF

ClinVar aggregate classification (germline): Conflicting classifications of pathogenicity. Review status: criteria provided, conflicting classifications (1 of 4 stars). 2 submissions from 2 submitters: Uncertain significance (1); Likely benign (1). Last evaluated 2026-05-06.

Conditions:
Hereditary cancer-predisposing syndrome. Also called: Neoplastic Syndromes, Hereditary; Tumor predisposition; Hereditary Cancer Syndrome; Hereditary neoplastic syndrome. Identifiers: Orphanet 140162, MedGen C0027672, MeSH D009386, MONDO:0015356.
Retinoblastoma (RB1). Also called: RETINOBLASTOMA, SOMATIC. Identifiers: Orphanet 790, MedGen C0035335, MeSH D012175, MONDO:0008380, OMIM 180200, HP:0009919. Disease mechanism: loss of function. Inheritance: Both sporadic and heritable forms are tested..

Submissions (2):

Ambry Genetics
Classification: Likely benign for Hereditary cancer-predisposing syndrome. Last evaluated: 2026-05-06. Review status: criteria provided, single submitter. Criteria: Ambry Variant Classification Scheme 2023. Collection method: clinical testing. Allele origin: germline.

Labcorp Genetics (formerly Invitae), Labcorp
Classification: Uncertain significance for Retinoblastoma. Last evaluated: 2022-01-26. Review status: criteria provided, single submitter. Criteria: Invitae Variant Classification Sherloc (09022015). Collection method: clinical testing. Allele origin: germline.
Comment: This variant has not been reported in the literature in individuals affected with RB1-related conditions. Algorithms developed to predict the effect of missense changes on protein structure and function output the following: SIFT: "Tolerated"; PolyPhen-2: "Benign"; Align-GVGD: "Class C0". The glutamic acid amino acid residue is found in multiple mammalian species, which suggests that this missense change does not adversely affect protein function. In summary, the available evidence is currently insufficient to determine the role of this variant in disease. Therefore, it has been classified as a Variant of Uncertain Significance. This variant is not present in population databases (gnomAD no frequency). This sequence change replaces lysine, which is basic and polar, with glutamic acid, which is acidic and polar, at codon 420 of the RB1 protein (p.Lys420Glu).